The following is an entry in ClinVar:

ClinVar aggregate classification (germline): Uncertain significance. Review status: criteria provided, multiple submitters, no conflicts (2 of 4 stars). 2 submissions from 2 submitters: Uncertain significance (2). Last evaluated 2025-08-23.

Conditions:
Inborn genetic diseases. Identifiers: MedGen C0950123, MeSH D030342.

Submissions (2):

Ambry Genetics
Classification: Uncertain significance for Inborn genetic diseases. Last evaluated: 2025-08-23. Review status: criteria provided, single submitter. Criteria: Ambry Variant Classification Scheme 2023. Collection method: clinical testing. Allele origin: germline.

Labcorp Genetics (formerly Invitae), Labcorp
Classification: Uncertain significance. Last evaluated: 2025-05-28. Review status: criteria provided, single submitter. Criteria: Invitae Variant Classification Sherloc (09022015). Collection method: clinical testing. Allele origin: germline.
Comment: This sequence change replaces proline, which is neutral and non-polar, with arginine, which is basic and polar, at codon 68 of the MATN3 protein (p.Pro68Arg). This variant is not present in population databases (gnomAD no frequency). This variant has not been reported in the literature in individuals affected with MATN3-related conditions. An algorithm developed to predict the effect of missense changes on protein structure and function outputs the following: PolyPhen-2: "Benign". The arginine amino acid residue is found in multiple mammalian species, which suggests that this missense change does not adversely affect protein function. In summary, the available evidence is currently insufficient to determine the role of this variant in disease. Therefore, it has been classified as a Variant of Uncertain Significance.

NM_002381.5(MATN3):c.203C>G (p.Pro68Arg)

Gene: MATN3 (matrilin 3; minus strand). Cytogenetic location: 2p24.1.
Variant type: single nucleotide variant.
Coding change: c.203C>G on transcript NM_002381.5 (MANE Select); coding-DNA position 203, C replaced by G.
Protein change: p.Pro68Arg; replaces proline 68 with arginine.
Molecular consequence: missense variant.
Genome position (GRCh38, 1-based): chr2:20,012,429, G>C on the plus strand (C>G on the coding strand, the complement: MATN3 is on the minus strand). VCF-style: chr2-20012429-G-C. GRCh37 (hg19) VCF-style: chr2-20212190-G-C.
Other names: short protein forms P68R.
Identifiers: ClinVar variation 4104486 (VCV004104486.2).